The following is an entry in ClinVar:

NM_001846.4(COL4A2):c.2429G>A (p.Ser810Asn)

Gene: COL4A2 (collagen type IV alpha 2 chain; plus strand). Cytogenetic location: 13q34.
Variant type: single nucleotide variant.
Coding change: c.2429G>A on transcript NM_001846.4 (MANE Select); coding-DNA position 2429, G replaced by A.
Protein change: p.Ser810Asn; replaces serine 810 with asparagine.
Molecular consequence: missense variant.
Genome position (GRCh38, 1-based): chr13:110,478,006, G>A. VCF-style: chr13-110478006-G-A. GRCh37 (hg19) VCF-style: chr13-111130353-G-A.
Other names: short protein forms S810N.
Identifiers: ClinVar variation 311147 (VCV000311147.9), dbSNP rs372516991, ClinGen allele CA10642866.
Genomic context (GRCh38, chr13:110,478,006, plus strand): 5'-GTCTGTGATGAACAGTCCAGAGTTGGCCCCCACAGCTCTTGTCTCTGATTCCTGCAGGAA[G>A]CCAAGGGATGCCTGGGATGCCAGGGCTGAAGGGCCAGCCAGGCCTCCCAGGACCTTCCGG-3'
Protein context (NP_001837.2, residues 800-820): GDRGPPGFRG[Ser810Asn]QGMPGMPGLK

ClinVar aggregate classification (germline): Uncertain significance. Review status: criteria provided, multiple submitters, no conflicts (2 of 4 stars). 2 submissions from 2 submitters: Uncertain significance (2). Last evaluated 2024-05-06.

Conditions:
Brain small vessel disease 2A, autosomal dominant. Also called: Porencephaly 2. Identifiers: Orphanet 2940, Orphanet 99810, MedGen C3280970, MONDO:0013773, OMIM 614483.

Allele frequency attached by ClinVar (database versions not stated): gnomAD exomes below 0.00001; TOPMed below 0.00001; ESP Exome Variant Server 0.00008.
gnomAD v4.1: 1 of 1,563,364 alleles (0.000064%); highest among the groups gnomAD compares: Non-Finnish European, 0.000087%; no homozygotes.

Submissions (2):

Labcorp Genetics (formerly Invitae), Labcorp
Classification: Uncertain significance. Last evaluated: 2024-05-06. Review status: criteria provided, single submitter. Criteria: Invitae Variant Classification Sherloc (09022015). Collection method: clinical testing. Allele origin: germline.
Comment: This sequence change replaces serine, which is neutral and polar, with asparagine, which is neutral and polar, at codon 810 of the COL4A2 protein (p.Ser810Asn). This variant is not present in population databases (gnomAD no frequency). This variant has not been reported in the literature in individuals affected with COL4A2-related conditions. ClinVar contains an entry for this variant (Variation ID: 311147). Advanced modeling of protein sequence and biophysical properties (such as structural, functional, and spatial information, amino acid conservation, physicochemical variation, residue mobility, and thermodynamic stability) performed at Invitae indicates that this missense variant is not expected to disrupt COL4A2 protein function with a negative predictive value of 95%. In summary, the available evidence is currently insufficient to determine the role of this variant in disease. Therefore, it has been classified as a Variant of Uncertain Significance.

Illumina Laboratory Services, Illumina
Classification: Uncertain significance for Brain small vessel disease 2A, autosomal dominant. Last evaluated: 2018-01-13. Review status: criteria provided, single submitter. Criteria: ICSL Variant Classification Criteria 13 December 2019. Collection method: clinical testing. Allele origin: germline.